The following is an entry in ClinVar:

ClinVar aggregate classification (germline): Uncertain significance. Review status: criteria provided, multiple submitters, no conflicts (2 of 4 stars). 2 submissions from 2 submitters: Uncertain significance (2). Last evaluated 2024-02-22.

Allele frequency attached by ClinVar (database versions not stated): gnomAD 0.00001; gnomAD exomes 0.00001 and 0.00002; ExAC 0.00002; TOPMed 0.00002.
gnomAD v4.1: 9 of 1,613,822 alleles (0.00056%); highest among the groups gnomAD compares: South Asian, 0.0022%; no homozygotes.

Submissions (2):

GeneDx
Classification: Uncertain significance. Last evaluated: 2024-02-22. Review status: criteria provided, single submitter. Criteria: GeneDx Variant Classification Process June 2021. Collection method: clinical testing. Allele origin: germline. Affected: yes.
Comment: Not observed at significant frequency in large population cohorts (gnomAD); In silico analysis supports that this missense variant does not alter protein structure/function; Has not been previously published as pathogenic or benign to our knowledge

Labcorp Genetics (formerly Invitae), Labcorp
Classification: Uncertain significance. Last evaluated: 2022-11-01. Review status: criteria provided, single submitter. Criteria: Invitae Variant Classification Sherloc (09022015). Collection method: clinical testing. Allele origin: germline.
Comment: In summary, the available evidence is currently insufficient to determine the role of this variant in disease. Therefore, it has been classified as a Variant of Uncertain Significance. Algorithms developed to predict the effect of missense changes on protein structure and function output the following: SIFT: "Deleterious"; PolyPhen-2: "Benign"; Align-GVGD: "Class C0". The threonine amino acid residue is found in multiple mammalian species, which suggests that this missense change does not adversely affect protein function. ClinVar contains an entry for this variant (Variation ID: 934739). This variant has not been reported in the literature in individuals affected with TUBGCP6-related conditions. This variant is present in population databases (rs761530929, gnomAD 0.006%). This sequence change replaces alanine, which is neutral and non-polar, with threonine, which is neutral and polar, at codon 1595 of the TUBGCP6 protein (p.Ala1595Thr).

NM_020461.4(TUBGCP6):c.4783G>A (p.Ala1595Thr)

Gene: TUBGCP6 (tubulin gamma complex component 6; minus strand). Cytogenetic location: 22q13.33.
Variant type: single nucleotide variant.
Coding change: c.4783G>A on transcript NM_020461.4 (MANE Select); coding-DNA position 4783, G replaced by A.
Protein change: p.Ala1595Thr; replaces alanine 1595 with threonine.
Molecular consequence: missense variant.
Genome position (GRCh38, 1-based): chr22:50,218,741, C>T on the plus strand (G>A on the coding strand, the complement: TUBGCP6 is on the minus strand). VCF-style: chr22-50218741-C-T. GRCh37 (hg19) VCF-style: chr22-50657170-C-T.
Other names: short protein forms A1595T.
Identifiers: ClinVar variation 934739 (VCV000934739.10), dbSNP rs761530929, ClinGen allele CA10307344.